The following is an entry in ClinVar:

ClinVar aggregate classification (germline): Uncertain significance (1 of 4 stars; one submission).

Conditions:
ALMS1-related disorder. Also called: ALMS1-related condition.

Submission:

PreventionGenetics, part of Exact Sciences
Classification: Uncertain significance for ALMS1-related condition. Last evaluated: 2024-02-15. Review status: criteria provided, single submitter. Criteria: ACMG Guidelines, 2015. Collection method: clinical testing. Allele origin: germline.
Comment: The ALMS1 c.2483A>G variant is predicted to result in the amino acid substitution p.His828Arg. To our knowledge, this variant has not been reported in the literature. This variant is reported in 0.0065% of alleles in individuals of African descent in gnomAD. At this time, the clinical significance of this variant is uncertain due to the absence of conclusive functional and genetic evidence.

NM_001378454.1(ALMS1):c.2480A>G (p.Asp827Gly)

Gene: ALMS1 (ALMS1 centrosome and basal body associated protein; plus strand). Cytogenetic location: 2p13.1.
Variant type: single nucleotide variant.
Coding change: c.2480A>G on transcript NM_001378454.1 (MANE Select); coding-DNA position 2480, A replaced by G.
Protein change: p.Asp827Gly; replaces aspartic acid 827 with glycine.
Molecular consequence: missense variant.
Genome position (GRCh38, 1-based): chr2:73,449,007, A>G. VCF-style: chr2-73449007-A-G. GRCh37 (hg19) VCF-style: chr2-73676134-A-G.
Other names: c.2483A>G, p.Asp828Gly (NM_015120.4); short protein forms D827G, D828G.
Identifiers: ClinVar variation 3057483 (VCV003057483.1), dbSNP rs2466094744, ClinGen allele CA347270247.